The following is an entry in ClinVar:

ClinVar aggregate classification (germline): Uncertain significance (1 of 4 stars; one submission).

Conditions:
Hereditary pancreatitis (PCTT). Also called: Hereditary chronic pancreatitis; PRSS1-Related Hereditary Pancreatitis. Identifiers: Orphanet 676, MedGen C0238339, MONDO:0008185, OMIM 167800.

Submission:

Ambry Genetics
Classification: Uncertain significance for Hereditary pancreatitis. Last evaluated: 2024-05-26. Review status: criteria provided, single submitter. Criteria: Ambry Variant Classification Scheme 2023. Collection method: clinical testing. Allele origin: germline.
Comment: The p.D215H variant (also known as c.643G>C), located in coding exon 7 of the CTRC gene, results from a G to C substitution at nucleotide position 643. The aspartic acid at codon 215 is replaced by histidine, an amino acid with similar properties. This amino acid position is conserved. In addition, this alteration is predicted to be deleterious by in silico analysis. Based on the available evidence, the clinical significance of this variant remains unclear.

NM_007272.3(CTRC):c.643G>C (p.Asp215His)

Gene: CTRC (chymotrypsin C; plus strand). Cytogenetic location: 1p36.21.
Variant type: single nucleotide variant.
Coding change: c.643G>C on transcript NM_007272.3 (MANE Select); coding-DNA position 643, G replaced by C.
Protein change: p.Asp215His; replaces aspartic acid 215 with histidine.
Molecular consequence: missense variant.
Genome position (GRCh38, 1-based): chr1:15,445,600, G>C. VCF-style: chr1-15445600-G-C. GRCh37 (hg19) VCF-style: chr1-15772095-G-C.
Other names: short protein forms D215H.
Identifiers: ClinVar variation 3270198 (VCV003270198.1).
Genomic context (GRCh38, chr1:15,445,600, plus strand): 5'-CCCAAGACTTCCTCTGGGGGGGGGCCTGGTGGCTTATGCCCTCCCGGTCTGGTGCAGGGG[G>C]ACTCCGGTGGCCCACTGAACTGCCAGTTGGAGAACGGTTCCTGGGAGGTGTTTGGCATCG-3'
Protein context (NP_009203.2, residues 205-225): GDGVISACNG[Asp215His]SGGPLNCQLE